The following is an entry in ClinVar:

NM_000051.4(ATM):c.1608-20T>C

Gene: ATM (ATM serine/threonine kinase; plus strand). Cytogenetic location: 11q22.3.
Variant type: single nucleotide variant.
Coding change: c.1608-20T>C on transcript NM_000051.4 (MANE Select); 20 bases into the intron before coding-DNA position 1608, T replaced by C.
Molecular consequence: intron variant.
Genome position (GRCh38, 1-based): chr11:108,251,817, T>C. VCF-style: chr11-108251817-T-C. GRCh37 (hg19) VCF-style: chr11-108122544-T-C.
Other names: c.1608-20T>C (NM_001351834.2).
Identifiers: ClinVar variation 1937347 (VCV001937347.6), dbSNP rs1252733933, ClinGen allele CA601695564.

ClinVar aggregate classification (germline): Likely benign. Review status: criteria provided, multiple submitters, no conflicts (2 of 4 stars). 2 submissions from 2 submitters: Likely benign (2). Last evaluated 2025-02-18.

Conditions:
Ataxia-telangiectasia syndrome (AT). Also called: Ataxia-telangiectasia, complementation group D; AT, COMPLEMENTATION GROUP C; Ataxia-telangiectasia; Ataxia telangiectasia (A-T); Cerebello-oculocutaneous telangiectasia; Immunodeficiency with ataxia telangiectasia. Identifiers: Orphanet 100, MedGen C0004135, MONDO:0008840, OMIM 208900.
Familial cancer of breast. Also called: Hereditary breast cancer; hereditary breast carcinoma; BREAST CANCER, FAMILIAL. Identifiers: Orphanet 227535, MedGen C0346153, MONDO:0016419, OMIM 114480. Disease mechanism: loss of function.

Allele frequency attached by ClinVar (database versions not stated): gnomAD exomes below 0.00001; TOPMed below 0.00001.
gnomAD v4.1: 1 of 1,613,356 alleles (0.000062%); highest among the groups gnomAD compares: Non-Finnish European, 0.000085%; no homozygotes.

Submissions (2):

Labcorp Genetics (formerly Invitae), Labcorp
Classification: Likely benign for Ataxia-telangiectasia syndrome. Last evaluated: 2025-02-18. Review status: criteria provided, single submitter. Criteria: Invitae Variant Classification Sherloc (09022015). Collection method: clinical testing. Allele origin: germline.

Myriad Genetics, Inc.
Classification: Likely benign for Familial cancer of breast. Last evaluated: 2024-04-30. Review status: criteria provided, single submitter. Criteria: Myriad Autosomal Dominant, Autosomal Recessive and X-Linked Classification Criteria (2023). Collection method: clinical testing. Allele origin: unknown.
Comment: This variant is considered likely benign. This variant is intronic and is not expected to impact mRNA splicing.